The following is an entry in ClinVar:

ClinVar aggregate classification (germline): Uncertain significance (1 of 4 stars; one submission).

Conditions:
Familial sleep-related hypermotor epilepsy. Also called: Autosomal Dominant Sleep-Related Hypermotor (Hyperkinetic) Epilepsy. Identifiers: Orphanet 98784, MedGen C3696898, MONDO:0000030.

gnomAD v4.1: 1 of 1,614,218 alleles (0.000062%); highest among the groups gnomAD compares: Non-Finnish European, 0.000085%; no homozygotes.

Submission:

Labcorp Genetics (formerly Invitae), Labcorp
Classification: Uncertain significance. Last evaluated: 2025-12-19. Review status: criteria provided, single submitter. Criteria: Invitae Variant Classification Sherloc (09022015). Collection method: clinical testing. Allele origin: germline.
Comment: This sequence change replaces lysine, which is basic and polar, with asparagine, which is neutral and polar, at codon 156 of the CHRNB2 protein (p.Lys156Asn). This variant is not present in population databases (gnomAD no frequency). This variant has not been reported in the literature in individuals affected with CHRNB2-related conditions. Invitae Evidence Modeling of protein sequence and biophysical properties (such as structural, functional, and spatial information, amino acid conservation, physicochemical variation, residue mobility, and thermodynamic stability) indicates that this missense variant is not expected to disrupt CHRNB2 protein function with a negative predictive value of 80%. In summary, the available evidence is currently insufficient to determine the role of this variant in disease. Therefore, it has been classified as a Variant of Uncertain Significance.

NM_000748.3(CHRNB2):c.468G>C (p.Lys156Asn)

Gene: CHRNB2 (cholinergic receptor nicotinic beta 2 subunit; plus strand). Cytogenetic location: 1q21.3.
Variant type: single nucleotide variant.
Coding change: c.468G>C on transcript NM_000748.3 (MANE Select); coding-DNA position 468, G replaced by C.
Protein change: p.Lys156Asn; replaces lysine 156 with asparagine.
Molecular consequence: missense variant.
Genome position (GRCh38, 1-based): chr1:154,571,291, G>C. VCF-style: chr1-154571291-G-C. GRCh37 (hg19) VCF-style: chr1-154543767-G-C.
Other names: short protein forms K156N.
Identifiers: ClinVar variation 4742418 (VCV004742418.1).
Genomic context (GRCh38, chr1:154,571,291, plus strand): 5'-GGTCTCCTATGATGGCAGCATCTTCTGGCTGCCGCCTGCCATCTACAAGAGCGCATGCAA[G>C]ATTGAAGTAAAGCACTTCCCATTTGACCAGCAGAACTGCACCATGAAGTTCCGTTCGTGG-3'
Protein context (NP_000739.1, residues 146-166): LPPAIYKSAC[Lys156Asn]IEVKHFPFDQ